The following is an entry in ClinVar:

NM_170675.5(MEIS2):c.999A>C (p.Arg333Ser)

Gene: MEIS2 (Meis homeobox 2; minus strand). Cytogenetic location: 15q14.
Variant type: single nucleotide variant.
Coding change: c.999A>C on transcript NM_170675.5 (MANE Select); coding-DNA position 999, A replaced by C.
Protein change: p.Arg333Ser; replaces arginine 333 with serine.
Molecular consequence: missense variant. On other transcripts: non-coding transcript variant (1).
Genome position (GRCh38, 1-based): chr15:36,896,665, T>G on the plus strand (A>C on the coding strand, the complement: MEIS2 is on the minus strand). VCF-style: chr15-36896665-T-G. GRCh37 (hg19) VCF-style: chr15-37188866-T-G.
Other names: c.999A>C, p.Arg333Ser (NM_001220482.2, NM_170674.5, NM_170676.5 and 1 more transcripts); c.960A>C, p.Arg320Ser (NM_002399.4, NM_172315.3); c.735A>C, p.Arg245Ser (NM_172316.3); short protein forms R245S, R320S, R333S.
Identifiers: ClinVar variation 1709727 (VCV001709727.2), dbSNP rs2504250471, ClinGen allele CA391926942.

ClinVar aggregate classification (germline): Likely pathogenic (1 of 4 stars; one submission).

Conditions:
Cardiac malformation, cleft lip/palate, microcephaly, and digital anomalies. Also called: CLEFT PALATE, CARDIAC DEFECTS, AND IMPAIRED INTELLECTUAL DEVELOPMENT. Identifiers: MedGen C1832950, MONDO:0010970, OMIM 600987.

Submission:

MGZ Medical Genetics Center
Classification: Likely pathogenic for Cardiac malformation, cleft lip/palate, microcephaly, and digital anomalies. Last evaluated: 2022-09-06. Review status: criteria provided, single submitter. Criteria: ACMG Guidelines, 2015. Collection method: clinical testing. Allele origin: germline. Affected: yes. Observed: 1 variant allele.
Comment: ACMG criteria applied: PS2, PS4_MOD, PM2_SUP, PP2